The following is an entry in ClinVar:

NM_003803.4(MYOM1):c.400A>G (p.Ser134Gly)

Gene: MYOM1 (myomesin 1; minus strand). Cytogenetic location: 18p11.31.
Variant type: single nucleotide variant.
Coding change: c.400A>G on transcript NM_003803.4 (MANE Select); coding-DNA position 400, A replaced by G.
Protein change: p.Ser134Gly; replaces serine 134 with glycine.
Molecular consequence: missense variant.
Genome position (GRCh38, 1-based): chr18:3,193,849, T>C on the plus strand (A>G on the coding strand, the complement: MYOM1 is on the minus strand). VCF-style: chr18-3193849-T-C. GRCh37 (hg19) VCF-style: chr18-3193847-T-C.
Other names: c.400A>G, p.Ser134Gly (NM_019856.2); short protein forms S134G.
Identifiers: ClinVar variation 575529 (VCV000575529.10), dbSNP rs1567961770, ClinGen allele CA401717194.

ClinVar aggregate classification (germline): Uncertain significance. Review status: criteria provided, multiple submitters, no conflicts (2 of 4 stars). 2 submissions from 2 submitters: Uncertain significance (2). Last evaluated 2022-05-25.

Conditions:
Hypertrophic cardiomyopathy. Also called: HYPERTROPHIC MYOCARDIOPATHY. Identifiers: Orphanet 217569, MedGen C0007194, MeSH D002312, MONDO:0005045, HP:0001639.

gnomAD v4.1: 1 of 1,613,830 alleles (0.000062%); no homozygotes.

Submissions (2):

Ambry Genetics
Classification: Uncertain significance. Last evaluated: 2022-05-25. Review status: criteria provided, single submitter. Criteria: Ambry Variant Classification Scheme 2023. Collection method: clinical testing. Allele origin: germline.

Labcorp Genetics (formerly Invitae), Labcorp
Classification: Uncertain significance for Hypertrophic cardiomyopathy. Last evaluated: 2018-04-22. Review status: criteria provided, single submitter. Criteria: Invitae Variant Classification Sherloc (09022015). Collection method: clinical testing. Allele origin: germline.
Comment: Algorithms developed to predict the effect of missense changes on protein structure and function output the following: SIFT: "Tolerated"; PolyPhen-2: "Benign"; Align-GVGD: "Class C0". The glycine amino acid residue is found in multiple mammalian species, suggesting that this missense change does not adversely affect protein function. These predictions have not been confirmed by published functional studies and their clinical significance is uncertain. In summary, the available evidence is currently insufficient to determine the role of this variant in disease. Therefore, it has been classified as a Variant of Uncertain Significance. This sequence change replaces serine with glycine at codon 134 of the MYOM1 protein (p.Ser134Gly). The serine residue is weakly conserved and there is a small physicochemical difference between serine and glycine. This variant has not been reported in the literature in individuals with MYOM1-related disease. This variant is not present in population databases (ExAC no frequency).